The following is an entry in ClinVar:

NM_002294.3(LAMP2):c.865-8del

Gene: LAMP2 (lysosome associated membrane protein 2; minus strand). Cytogenetic location: Xq24.
Variant type: Deletion.
Coding change: c.865-8del on transcript NM_002294.3 (MANE Select); 8 bases into the intron before coding-DNA position 865, one base deleted (T; older notation c.865-8delT).
Molecular consequence: intron variant.
Genome position (GRCh38, 1-based): chrX:120,442,670, A deleted on the plus strand (T on the coding strand, the reverse complement: LAMP2 is on the minus strand); the first of 5 consecutive A bases (chrX:120,442,670-120,442,674); deleting any one gives the same sequence. VCF-style (leftmost placement, unchanged base first): chrX-120442669-GA-G. GRCh37 (hg19) VCF-style: chrX-119576524-GA-G.
Other names: c.865-8delT (NM_002294.2, NM_002294.3); c.865-8del (NM_001122606.1, NM_013995.2).
Identifiers: ClinVar variation 415504 (VCV000415504.20), dbSNP rs746330494, ClinGen allele CA10505239.

ClinVar aggregate classification (germline): Benign/Likely benign. Review status: criteria provided, multiple submitters, no conflicts (2 of 4 stars). 7 submissions from 7 submitters: Benign (1); Likely benign (3). 3 of the submissions do not count toward it. Last evaluated 2026-01-19.

Conditions:
Danon disease. Also called: ANTOPOL DISEASE; Glycogen Storage Disease Type IIb; PSEUDOGLYCOGENOSIS II; GSD IIb; LYSOSOMAL GLYCOGEN STORAGE DISEASE WITHOUT ACID MALTASE DEFICIENCY. Identifiers: Orphanet 34587, MedGen C0878677, MONDO:0010281, OMIM 300257.
LAMP2-related disorder. Also called: LAMP2-related condition.

Submissions (7):

Labcorp Genetics (formerly Invitae), Labcorp
Classification: Likely benign for Danon disease. Last evaluated: 2026-01-19. Review status: criteria provided, single submitter. Criteria: Invitae Variant Classification Sherloc (09022015). Collection method: clinical testing. Allele origin: germline.

Women's Health and Genetics/Laboratory Corporation of America, LabCorp
Classification: Benign. Last evaluated: 2025-04-24. Review status: criteria provided, single submitter. Criteria: LabCorp Variant Classification Summary - May 2015. Collection method: clinical testing. Allele origin: germline.
Comment: Variant summary: LAMP2 c.865-8delT alters a conserved nucleotide located at a position not widely known to affect splicing. Consensus agreement among computation tools predict no significant impact on normal splicing. However, these predictions have yet to be confirmed by functional studies. The variant allele was found at a frequency of 2.5e-05 in 1181027 control chromosomes, predominantly at a frequency of 3.2e-05 within the Non-Finnish European subpopulation in the gnomAD database, including 10 hemizygotes. The observed variant frequency within Non-Finnish European control individuals in the gnomAD database exceeds the estimated maximal expected allele frequency for a pathogenic variant in LAMP2 causing Danon disease phenotype. To our knowledge, no occurrence of c.865-8delT in individuals affected with Danon disease and no experimental evidence demonstrating its impact on protein function have been reported. ClinVar contains an entry for this variant (Variation ID: 415504). Based on the evidence outlined above, the variant was classified as benign.

Blueprint Genetics
Classification: Likely benign. Last evaluated: 2020-12-12. Review status: criteria provided, single submitter. Criteria: ACMG Guidelines, 2015. Collection method: clinical testing. Allele origin: germline.

GeneDx
Classification: Likely benign. Last evaluated: 2020-01-30. Review status: criteria provided, single submitter. Criteria: GeneDx Variant Classification Process June 2021. Collection method: clinical testing. Allele origin: germline. Affected: yes.

PreventionGenetics, part of Exact Sciences
Classification: Likely benign for LAMP2-related condition. Last evaluated: 2020-08-13. Review status: no assertion criteria provided. Collection method: clinical testing. Allele origin: germline. Not counted in ClinVar's aggregate classification.
Comment: This variant is classified as likely benign based on ACMG/AMP sequence variant interpretation guidelines (Richards et al. 2015 PMID: 25741868, with internal and published modifications).

Clinical Genetics, Academic Medical Center
Classification: Benign. Review status: no assertion criteria provided. Collection method: clinical testing. Allele origin: germline. Affected: yes. Study: VKGL Data-share Consensus. Not counted in ClinVar's aggregate classification.

Diagnostic Laboratory, Department of Genetics, University Medical Center Groningen
Classification: Likely benign. Review status: no assertion criteria provided. Collection method: clinical testing. Allele origin: germline. Affected: yes. Study: VKGL Data-share Consensus. Not counted in ClinVar's aggregate classification.